The following is an entry in ClinVar:

NM_025074.7(FRAS1):c.8460A>G (p.Pro2820=)

Genes: FRAS1 (Fraser extracellular matrix complex subunit 1; plus strand), LOC126807088 (CDK7 strongly-dependent group 2 enhancer GRCh37_chr4:79402250-79403449; plus strand). Cytogenetic location: 4q21.21.
Variant type: single nucleotide variant.
Coding change: c.8460A>G on transcript NM_025074.7 (MANE Select); coding-DNA position 8460, A replaced by G.
Protein change: p.Pro2820=; no amino-acid change (proline 2820 retained).
Molecular consequence: synonymous variant.
Genome position (GRCh38, 1-based): chr4:78,481,820, A>G. VCF-style: chr4-78481820-A-G. GRCh37 (hg19) VCF-style: chr4-79402974-A-G.
Other names: p.Pro2820=.
Identifiers: ClinVar variation 904153 (VCV000904153.13), dbSNP rs200879198, ClinGen allele CA2978381.

ClinVar aggregate classification (germline): Conflicting classifications of pathogenicity. Review status: criteria provided, conflicting classifications (1 of 4 stars). 4 submissions from 4 submitters: Uncertain significance (1); Benign (1); Likely benign (2). Last evaluated 2026-01-29.

Conditions:
Fraser syndrome 1 (FRASRS1). Also called: CRYPTOPHTHALMOS WITH OTHER MALFORMATIONS. Identifiers: Orphanet 2052, MedGen C4551480, MONDO:0054737, OMIM 219000.

Allele frequency attached by ClinVar (database versions not stated): gnomAD 0.00004; ExAC 0.00009; TOPMed 0.00009; gnomAD exomes 0.00014; ESP Exome Variant Server 0.00025.
gnomAD v4.1: 117 of 1,613,804 alleles (0.0072%); highest among the groups gnomAD compares: Admixed American, 0.0033%; no homozygotes.

Submissions (4):

Labcorp Genetics (formerly Invitae), Labcorp
Classification: Benign. Last evaluated: 2026-01-29. Review status: criteria provided, single submitter. Criteria: Invitae Variant Classification Sherloc (09022015). Collection method: clinical testing. Allele origin: germline.

Mayo Clinic Laboratories, Mayo Clinic
Classification: Likely benign. Last evaluated: 2025-12-07. Review status: criteria provided, single submitter. Criteria: ACMG Guidelines, 2015. Collection method: clinical testing. Allele origin: germline. Observed: 1 variant allele.
Comment: BS1, BP4, BP7

Blueprint Genetics
Classification: Likely benign. Last evaluated: 2024-09-30. Review status: criteria provided, single submitter. Criteria: ACMG Guidelines, 2015. Collection method: clinical testing. Allele origin: germline.

Illumina Laboratory Services, Illumina
Classification: Uncertain significance for Fraser syndrome 1. Last evaluated: 2018-01-12. Review status: criteria provided, single submitter. Criteria: ICSL Variant Classification Criteria 13 December 2019. Collection method: clinical testing. Allele origin: germline.